The following is an entry in ClinVar:

ClinVar aggregate classification (germline): Uncertain significance (1 of 4 stars; one submission).

Submission:

CeGaT Center for Human Genetics Tuebingen
Classification: Uncertain significance. Last evaluated: 2022-10-01. Review status: criteria provided, single submitter. Criteria: CeGaT Center For Human Genetics Tuebingen Variant Classification Criteria Version 2. Collection method: clinical testing. Allele origin: germline. Affected: yes. Observed: 1 variant allele.
Comment: FAT2: PM2

NM_001447.3(FAT2):c.1350C>A (p.Asp450Glu)

Gene: FAT2 (FAT atypical cadherin 2; minus strand). Cytogenetic location: 5q33.1.
Variant type: single nucleotide variant.
Coding change: c.1350C>A on transcript NM_001447.3 (MANE Select); coding-DNA position 1350, C replaced by A.
Protein change: p.Asp450Glu; replaces aspartic acid 450 with glutamic acid.
Molecular consequence: missense variant.
Genome position (GRCh38, 1-based): chr5:151,567,582, G>T on the plus strand (C>A on the coding strand, the complement: FAT2 is on the minus strand). VCF-style: chr5-151567582-G-T. GRCh37 (hg19) VCF-style: chr5-150947143-G-T.
Other names: short protein forms D450E.
Identifiers: ClinVar variation 2655967 (VCV002655967.24), dbSNP rs2127648245, ClinGen allele CA361854704.